The following is an entry in ClinVar:

ClinVar aggregate classification (germline): Uncertain significance (1 of 4 stars; one submission).

gnomAD v4.1: 1 of 1,613,716 alleles (0.000062%); no homozygotes.

Submission:

Ambry Genetics
Classification: Uncertain significance. Last evaluated: 2024-08-27. Review status: criteria provided, single submitter. Criteria: Ambry Variant Classification Scheme 2023. Collection method: clinical testing. Allele origin: germline.
Comment: The p.R538G variant (also known as c.1612C>G), located in coding exon 16 of the KIF1B gene, results from a C to G substitution at nucleotide position 1612. The arginine at codon 538 is replaced by glycine, an amino acid with dissimilar properties. This amino acid position is conserved. In addition, this alteration is predicted to be deleterious by in silico analysis. Based on the available evidence, the clinical significance of this variant remains unclear.

NM_001365951.3(KIF1B):c.1750C>G (p.Arg584Gly)

Gene: KIF1B (kinesin family member 1B; plus strand). Cytogenetic location: 1p36.22.
Variant type: single nucleotide variant.
Coding change: c.1750C>G on transcript NM_001365951.3 (MANE Select); coding-DNA position 1750, C replaced by G.
Protein change: p.Arg584Gly; replaces arginine 584 with glycine.
Molecular consequence: missense variant.
Genome position (GRCh38, 1-based): chr1:10,295,739, C>G. VCF-style: chr1-10295739-C-G. GRCh37 (hg19) VCF-style: chr1-10355797-C-G.
Other names: c.1750C>G, p.Arg584Gly (NM_001365952.1); c.1612C>G, p.Arg538Gly (NM_001365953.1, NM_015074.3, NM_183416.4); short protein forms R538G, R584G.
Identifiers: ClinVar variation 3533992 (VCV003533992.1).